The following is an entry in ClinVar:

ClinVar aggregate classification (germline): Uncertain significance (1 of 4 stars; one submission).

Conditions:
Gastrointestinal stromal tumor. Also called: Gastrointestinal stromal tumor, somatic; Gastrointestinal stroma tumor. Identifiers: Orphanet 44890, MedGen C0238198, MeSH D046152, MONDO:0011719, OMIM 606764, HP:0100723.

Allele frequency attached by ClinVar (database versions not stated): gnomAD exomes below 0.00001.
gnomAD v4.1: 4 of 1,614,148 alleles (0.00025%); highest among the groups gnomAD compares: Non-Finnish European, 0.00034%; no homozygotes.

Submission:

Labcorp Genetics (formerly Invitae), Labcorp
Classification: Uncertain significance for Gastrointestinal stromal tumor. Last evaluated: 2024-11-29. Review status: criteria provided, single submitter. Criteria: Invitae Variant Classification Sherloc (09022015). Collection method: clinical testing. Allele origin: germline.
Comment: This sequence change replaces glycine, which is neutral and non-polar, with glutamic acid, which is acidic and polar, at codon 153 of the KIT protein (p.Gly153Glu). This variant is not present in population databases (gnomAD no frequency). This variant has not been reported in the literature in individuals affected with KIT-related conditions. ClinVar contains an entry for this variant (Variation ID: 962780). An algorithm developed to predict the effect of missense changes on protein structure and function (PolyPhen-2) suggests that this variant is likely to be disruptive. In summary, the available evidence is currently insufficient to determine the role of this variant in disease. Therefore, it has been classified as a Variant of Uncertain Significance.

NM_000222.3(KIT):c.458G>A (p.Gly153Glu)

Gene: KIT (KIT proto-oncogene, receptor tyrosine kinase; plus strand). Cytogenetic location: 4q12.
Variant type: single nucleotide variant.
Coding change: c.458G>A on transcript NM_000222.3 (MANE Select); coding-DNA position 458, G replaced by A.
Protein change: p.Gly153Glu; replaces glycine 153 with glutamic acid.
Molecular consequence: missense variant.
Genome position (GRCh38, 1-based): chr4:54,698,404, G>A. VCF-style: chr4-54698404-G-A. GRCh37 (hg19) VCF-style: chr4-55564570-G-A.
Other names: c.458G>A, p.Gly153Glu (NM_001093772.2, NM_001385284.1, NM_001385285.1 and 4 more transcripts); short protein forms G153E.
Identifiers: ClinVar variation 962780 (VCV000962780.10), dbSNP rs1720226841, ClinGen allele CA356897631.
Genomic context (GRCh38, chr4:54,698,404, plus strand): 5'-TGGTCCGCTGTCCTCTCACAGACCCAGAAGTGACCAATTATTCCCTCAAGGGGTGCCAGG[G>A]GAAGCCTCTTCCCAAGGACTTGAGGTTTATTCCTGACCCCAAGGCGGGCATCATGATCAA-3'
Protein context (NP_000213.1, residues 143-163): VTNYSLKGCQ[Gly153Glu]KPLPKDLRFI